The following is an entry in ClinVar:

ClinVar aggregate classification (germline): Uncertain significance (1 of 4 stars; one submission).

Submission:

Labcorp Genetics (formerly Invitae), Labcorp
Classification: Uncertain significance. Last evaluated: 2022-10-13. Review status: criteria provided, single submitter. Criteria: Invitae Variant Classification Sherloc (09022015). Collection method: clinical testing. Allele origin: germline.
Comment: In summary, the available evidence is currently insufficient to determine the role of this variant in disease. Therefore, it has been classified as a Variant of Uncertain Significance. This sequence change replaces lysine, which is basic and polar, with asparagine, which is neutral and polar, at codon 30 of the MERTK protein (p.Lys30Asn). This variant is not present in population databases (gnomAD no frequency). This variant has not been reported in the literature in individuals affected with MERTK-related conditions. Algorithms developed to predict the effect of missense changes on protein structure and function (SIFT, PolyPhen-2, Align-GVGD) all suggest that this variant is likely to be tolerated.

NM_006343.3(MERTK):c.90G>C (p.Lys30Asn)

Gene: MERTK (MER proto-oncogene, tyrosine kinase; plus strand). Cytogenetic location: 2q13.
Variant type: single nucleotide variant.
Coding change: c.90G>C on transcript NM_006343.3 (MANE Select); coding-DNA position 90, G replaced by C.
Protein change: p.Lys30Asn; replaces lysine 30 with asparagine.
Molecular consequence: missense variant.
Genome position (GRCh38, 1-based): chr2:111,929,148, G>C. VCF-style: chr2-111929148-G-C. GRCh37 (hg19) VCF-style: chr2-112686725-G-C.
Other names: short protein forms K30N.
Identifiers: ClinVar variation 2004471 (VCV002004471.4), dbSNP rs1308272767, ClinGen allele CA348225903.